The following is an entry in ClinVar:

ClinVar aggregate classification (germline): Uncertain significance (1 of 4 stars; one submission).

Submission:

GeneDx
Classification: Uncertain significance. Last evaluated: 2024-04-25. Review status: criteria provided, single submitter. Criteria: GeneDx Variant Classification Process June 2021. Collection method: clinical testing. Allele origin: germline. Affected: yes.
Comment: Not observed at significant frequency in large population cohorts (gnomAD); In silico analysis indicates that this variant does not alter splicing; Has not been previously published as pathogenic or benign to our knowledge

NM_001256317.3(TMPRSS3):c.771C>T (p.His257=)

Gene: TMPRSS3 (transmembrane serine protease 3; minus strand). Cytogenetic location: 21q22.3.
Variant type: single nucleotide variant.
Coding change: c.771C>T on transcript NM_001256317.3 (MANE Select); coding-DNA position 771, C replaced by T.
Protein change: p.His257=; no amino-acid change (histidine 257 retained).
Molecular consequence: synonymous variant.
Genome position (GRCh38, 1-based): chr21:42,383,044, G>A on the plus strand (C>T on the coding strand, the complement: TMPRSS3 is on the minus strand). VCF-style: chr21-42383044-G-A. GRCh37 (hg19) VCF-style: chr21-43803153-G-A.
Other names: c.771C>T, p.His257= (NM_024022.4, NM_032405.2); c.390C>T, p.His130= (NM_032404.3).
Identifiers: ClinVar variation 3373002 (VCV003373002.1).